The following is an entry in ClinVar:

NM_001145026.2(PTPRQ):c.3237A>G (p.Gln1079=)

Gene: PTPRQ (protein tyrosine phosphatase receptor type Q; plus strand). Cytogenetic location: 12q21.31.
Variant type: single nucleotide variant.
Coding change: c.3237A>G on transcript NM_001145026.2 (MANE Select); coding-DNA position 3237, A replaced by G.
Protein change: p.Gln1079=; no amino-acid change (glutamine 1079 retained).
Molecular consequence: synonymous variant.
Genome position (GRCh38, 1-based): chr12:80,541,637, A>G. VCF-style: chr12-80541637-A-G. GRCh37 (hg19) VCF-style: chr12-80935416-A-G.
Identifiers: ClinVar variation 4982049 (VCV004982049.1).

ClinVar aggregate classification (germline): Likely benign (1 of 4 stars; one submission).

Conditions:
PTPRQ-related disorder. Also called: PTPRQ-related condition.

gnomAD v4.1: 2 of 1,549,700 alleles (0.00013%); highest among the groups gnomAD compares: South Asian, 0.0012%; no homozygotes.

Submission:

PreventionGenetics, part of Exact Sciences
Classification: Likely benign for PTPRQ-related condition. Last evaluated: 2025-07-25. Review status: criteria provided, single submitter. Criteria: ACMG Guidelines, 2015. Collection method: clinical testing. Allele origin: germline.
Comment: This variant is classified as likely benign based on ACMG/AMP sequence variant interpretation guidelines (Richards et al. 2015 PMID: 25741868, with internal and published modifications).